The following is an entry in ClinVar:

ClinVar aggregate classification (germline): Benign. Review status: criteria provided, multiple submitters, no conflicts (2 of 4 stars). 8 submissions from 8 submitters: Benign (6). 2 of the submissions do not count toward it. Last evaluated 2026-05-11.

Conditions:
Thyroid hormone resistance, generalized, autosomal dominant (GRTHD). Also called: HYPERTHYROXINEMIA, FAMILIAL EUTHYROID, SECONDARY TO PITUITARY AND PERIPHERAL RESISTANCE TO THYROID HORMONES. Identifiers: MedGen C2937288, MONDO:0008569, OMIM 188570.

Allele frequency attached by ClinVar (database versions not stated): gnomAD 0.14868 and 0.15056; ESP Exome Variant Server 0.15362; TOPMed 0.15424; gnomAD exomes 0.15453 and 0.15487; ExAC 0.15555; 1000 Genomes Project 0.15755; 1000 Genomes Project 30x 0.15928.
gnomAD v4.1: 249,137 of 1,613,814 alleles (15%); highest among the groups gnomAD compares: South Asian, 22%; 20,118 homozygotes.

Submissions (8):

Women's Health and Genetics/Laboratory Corporation of America, LabCorp
Classification: Benign. Last evaluated: 2026-05-11. Review status: criteria provided, single submitter. Criteria: LabCorp Variant Classification Summary - May 2015. Collection method: clinical testing. Allele origin: germline.

Blueprint Genetics
Classification: Benign. Last evaluated: 2024-11-26. Review status: criteria provided, single submitter. Criteria: ACMG Guidelines, 2015. Collection method: clinical testing. Allele origin: germline.

Illumina Laboratory Services, Illumina
Classification: Benign for Thyroid hormone resistance, generalized, autosomal dominant. Last evaluated: 2018-03-06. Review status: criteria provided, single submitter. Criteria: ICSL Variant Classification Criteria 13 December 2019. Collection method: clinical testing. Allele origin: germline.
Comment: This variant was observed in the ICSL laboratory as part of a predisposition screen in an ostensibly healthy population. It had not been previously curated by ICSL or reported in the Human Gene Mutation Database (HGMD: prior to June 1st, 2018), and was therefore a candidate for classification through an automated scoring system. Utilizing variant allele frequency, disease prevalence and penetrance estimates, and inheritance mode, an automated score was calculated to assess if this variant is too frequent to cause the disease. Based on the score and internal cut-off values, a variant classified as benign is not then subjected to further curation. The score for this variant resulted in a classification of benign for this disease.

Eurofins Ntd Llc (ga)
Classification: Benign. Last evaluated: 2014-11-17. Review status: criteria provided, single submitter. Criteria: EGL Classification Definitions 2015. Collection method: clinical testing. Allele origin: germline. Observed: 2 variant alleles, 1 heterozygote, 1 homozygote.

Breakthrough Genomics
Classification: Benign. Review status: criteria provided, single submitter. Criteria: ACMG Guidelines, 2015. Collection method: not provided. Allele origin: germline. Inheritance: Autosomal recessive inheritance. Affected: yes.

PreventionGenetics, part of Exact Sciences
Classification: Benign. Review status: criteria provided, single submitter. Criteria: ACMG Guidelines, 2015. Collection method: clinical testing. Allele origin: germline.

Clinical Genetics, Academic Medical Center
Classification: Benign. Review status: no assertion criteria provided. Collection method: clinical testing. Allele origin: germline. Affected: yes. Study: VKGL Data-share Consensus. Not counted in ClinVar's aggregate classification.

Diagnostic Laboratory, Department of Genetics, University Medical Center Groningen
Classification: Benign. Review status: no assertion criteria provided. Collection method: clinical testing. Allele origin: germline. Affected: yes. Study: VKGL Data-share Consensus. Not counted in ClinVar's aggregate classification.

NM_001354712.2(THRB):c.735C>T (p.Phe245=)

Genes: THRB (thyroid hormone receptor beta; minus strand), LOC126806630 (CDK7 strongly-dependent group 2 enhancer GRCh37_chr3:24184437-24185636; plus strand). Cytogenetic location: 3p24.2.
Variant type: single nucleotide variant.
Coding change: c.735C>T on transcript NM_001354712.2 (MANE Select); coding-DNA position 735, C replaced by T.
Protein change: p.Phe245=; no amino-acid change (phenylalanine 245 retained).
Molecular consequence: synonymous variant.
Genome position (GRCh38, 1-based): chr3:24,143,504, G>A on the plus strand (C>T on the coding strand, the complement: THRB is on the minus strand). VCF-style: chr3-24143504-G-A. GRCh37 (hg19) VCF-style: chr3-24184995-G-A.
Other names: c.735C>T, p.Phe245= (NM_000461.5, NM_001128176.3, NM_001128177.2 and 6 more transcripts); c.642C>T, p.Phe214= (NM_001354714.2, NM_001354715.2).
Identifiers: ClinVar variation 198422 (VCV000198422.16), dbSNP rs3752874, ClinGen allele CA203408.